The following is an entry in ClinVar:

ClinVar aggregate classification (germline): Uncertain significance (1 of 4 stars; one submission).

Conditions:
Deficiency of malonyl-CoA decarboxylase. Also called: Malonic aciduria; MCD deficiency. Identifiers: Orphanet 943, MedGen C0342793, MONDO:0009556, OMIM 248360.

gnomAD v4.1: 2 of 1,614,044 alleles (0.00012%); highest among the groups gnomAD compares: Admixed American, 0.0033%; no homozygotes.

Submission:

Labcorp Genetics (formerly Invitae), Labcorp
Classification: Uncertain significance for Deficiency of malonyl-CoA decarboxylase. Last evaluated: 2021-08-26. Review status: criteria provided, single submitter. Criteria: Invitae Variant Classification Sherloc (09022015). Collection method: clinical testing. Allele origin: germline.
Comment: This sequence change replaces glutamic acid with valine at codon 207 of the MLYCD protein (p.Glu207Val). The glutamic acid residue is highly conserved and there is a moderate physicochemical difference between glutamic acid and valine. This variant is not present in population databases (ExAC no frequency). This variant has not been reported in the literature in individuals affected with MLYCD-related conditions. Algorithms developed to predict the effect of missense changes on protein structure and function (SIFT, PolyPhen-2, Align-GVGD) all suggest that this variant is likely to be disruptive. In summary, the available evidence is currently insufficient to determine the role of this variant in disease. Therefore, it has been classified as a Variant of Uncertain Significance.

NM_012213.3(MLYCD):c.620A>T (p.Glu207Val)

Gene: MLYCD (malonyl-CoA decarboxylase; plus strand). Cytogenetic location: 16q23.3.
Variant type: single nucleotide variant.
Coding change: c.620A>T on transcript NM_012213.3 (MANE Select); coding-DNA position 620, A replaced by T.
Protein change: p.Glu207Val; replaces glutamic acid 207 with valine.
Molecular consequence: missense variant.
Genome position (GRCh38, 1-based): chr16:83,907,078, A>T. VCF-style: chr16-83907078-A-T. GRCh37 (hg19) VCF-style: chr16-83940683-A-T.
Other names: short protein forms E207V.
Identifiers: ClinVar variation 1058354 (VCV001058354.6), dbSNP rs2151056698, ClinGen allele CA396918711.